The following is an entry in ClinVar:

ClinVar aggregate classification (germline): Uncertain significance. Review status: criteria provided, multiple submitters, no conflicts (2 of 4 stars). 7 submissions from 7 submitters: Uncertain significance (7). Last evaluated 2026-05-06.

Conditions:
Charcot-Marie-Tooth disease type 4. Also called: Charcot-Marie-Tooth, Type 4; Charcot-Marie-Tooth disease, type IV. Identifiers: Orphanet 64749, MedGen C4082197, MONDO:0018995.
PRX-related disorder. Also called: PRX-related condition; PRX-Related Disorders.
Inborn genetic diseases. Identifiers: MedGen C0950123, MeSH D030342.
Charcot-Marie-Tooth disease. Also called: Charcot-Marie-Tooth Neuropathy; Charcot-Marie-Tooth Hereditary Neuropathy. Identifiers: Orphanet 166, MedGen C0007959, MONDO:0015626.

Allele frequency attached by ClinVar (database versions not stated): gnomAD exomes 0.00004 and 0.00006; TOPMed 0.00005; gnomAD 0.00008; ExAC 0.00009.
gnomAD v4.1: 76 of 1,607,892 alleles (0.0047%); highest among the groups gnomAD compares: Non-Finnish European, 0.0059%; no homozygotes.

Submissions (7):

PreventionGenetics, part of Exact Sciences
Classification: Uncertain significance for PRX-related condition. Last evaluated: 2026-05-06. Review status: criteria provided, single submitter. Criteria: ACMG Guidelines, 2015. Collection method: clinical testing. Allele origin: germline.
Comment: The PRX c.4017C>A variant is predicted to result in the amino acid substitution p.Ser1339Arg. This variant was reported in an individual from a cohort of patients with Charcot-Marie-Tooth disease (Supplemental Table 2 in Volodarsky et al 2021. PubMed ID: 32376792). This variant is reported in 0.013% of alleles in individuals of European (Non-Finnish) descent in gnomAD. At this time, the clinical significance of this variant is uncertain due to the absence of conclusive functional and genetic evidence.

GeneDx
Classification: Uncertain significance. Last evaluated: 2026-03-25. Review status: criteria provided, single submitter. Criteria: GeneDx Variant Classification Process June 2021. Collection method: clinical testing. Allele origin: germline.
Comment: Reported in a single individual with CMT and classified as a variant of uncertain significance by the authors; no information about patient phenotype or segregation was provided (PMID: 32376792); Not observed at significant frequency in large population cohorts (gnomAD); In silico analysis suggests that this missense variant does not alter protein structure/function; This variant is associated with the following publications: (PMID: 32376792)

Blueprint Genetics
Classification: Uncertain significance. Last evaluated: 2023-12-15. Review status: criteria provided, single submitter. Criteria: ACMG Guidelines, 2015. Collection method: clinical testing. Allele origin: germline.

Athena Diagnostics
Classification: Uncertain significance. Last evaluated: 2023-02-16. Review status: criteria provided, single submitter. Criteria: Athena Diagnostics Criteria. Collection method: clinical testing. Allele origin: unknown.
Comment: Available data are insufficient to determine the clinical significance of the variant at this time. The frequency of this variant in the general population is uninformative in assessment of its pathogenicity. Computational tools disagree on the variant's effect on normal protein function.

Labcorp Genetics (formerly Invitae), Labcorp
Classification: Uncertain significance for Charcot-Marie-Tooth disease type 4. Last evaluated: 2022-06-13. Review status: criteria provided, single submitter. Criteria: Invitae Variant Classification Sherloc (09022015). Collection method: clinical testing. Allele origin: germline.
Comment: This sequence change replaces serine, which is neutral and polar, with arginine, which is basic and polar, at codon 1339 of the PRX protein (p.Ser1339Arg). This variant is present in population databases (rs758057597, gnomAD 0.01%). This missense change has been observed in individual(s) with clinical features of Charcot-Marie-Tooth disease (PMID: 32376792). ClinVar contains an entry for this variant (Variation ID: 654826). Algorithms developed to predict the effect of missense changes on protein structure and function are either unavailable or do not agree on the potential impact of this missense change (SIFT: "Deleterious"; PolyPhen-2: "Possibly Damaging"; Align-GVGD: "Class C0"). In summary, the available evidence is currently insufficient to determine the role of this variant in disease. Therefore, it has been classified as a Variant of Uncertain Significance.

Ambry Genetics
Classification: Uncertain significance for Inborn genetic diseases. Last evaluated: 2020-09-01. Review status: criteria provided, single submitter. Criteria: Ambry Variant Classification Scheme 2023. Collection method: clinical testing. Allele origin: germline.
Comment: The p.S1339R variant (also known as c.4017C>A), located in coding exon 4 of the PRX gene, results from a C to A substitution at nucleotide position 4017. The serine at codon 1339 is replaced by arginine, an amino acid with dissimilar properties. This amino acid position is well conserved in available vertebrate species. In addition, this alteration is predicted to be tolerated by in silico analysis. Since supporting evidence is limited at this time, the clinical significance of this alteration remains unclear.

Molecular Genetics Laboratory, London Health Sciences Centre
Classification: Uncertain significance for Charcot-Marie-Tooth disease. Review status: criteria provided, single submitter. Criteria: ACMG Guidelines, 2015. Collection method: clinical testing. Allele origin: germline. Affected: yes.

Literature cited by the submitters: PubMed 32376792 (cited by Athena Diagnostics and Labcorp Genetics (formerly Invitae), Labcorp).

NM_181882.3(PRX):c.4017C>A (p.Ser1339Arg)

Gene: PRX (periaxin; minus strand). Cytogenetic location: 19q13.2.
Variant type: single nucleotide variant.
Coding change: c.4017C>A on transcript NM_181882.3 (MANE Select); coding-DNA position 4017, C replaced by A.
Protein change: p.Ser1339Arg; replaces serine 1339 with arginine.
Molecular consequence: missense variant. On other transcripts: 3 prime UTR variant (1).
Genome position (GRCh38, 1-based): chr19:40,394,335, G>T on the plus strand (C>A on the coding strand, the complement: PRX is on the minus strand). VCF-style: chr19-40394335-G-T. GRCh37 (hg19) VCF-style: chr19-40900242-G-T.
Other names: c.*4222C>A (NM_020956.2); short protein forms S1339R.
Identifiers: ClinVar variation 654826 (VCV000654826.16), dbSNP rs758057597, ClinGen allele CA9443723.